The following is an entry in ClinVar:

ClinVar aggregate classification (germline): Uncertain significance (1 of 4 stars; one submission).

Conditions:
Autosomal dominant nonsyndromic hearing loss 1. Also called: DEAFNESS, AUTOSOMAL DOMINANT 1, WITH OR WITHOUT THROMBOCYTOPENIA; KONIGSMARK SYNDROME. Identifiers: Orphanet 90635, MedGen C1852282, MONDO:0007424, OMIM 124900.
Progressive microcephaly-seizures-cortical blindness-developmental delay syndrome. Also called: Seizures, cortical blindness, and microcephaly syndrome. Identifiers: Orphanet 477814, MedGen C5567650, MONDO:0014714, OMIM 616632.

Submission:

Labcorp Genetics (formerly Invitae), Labcorp
Classification: Uncertain significance for Progressive microcephaly-seizures-cortical blindness-developmental delay syndrome; Autosomal dominant nonsyndromic hearing loss 1. Last evaluated: 2024-06-17. Review status: criteria provided, single submitter. Criteria: Invitae Variant Classification Sherloc (09022015). Collection method: clinical testing. Allele origin: germline.
Comment: This sequence change replaces aspartic acid, which is acidic and polar, with glutamic acid, which is acidic and polar, at codon 1033 of the DIAPH1 protein (p.Asp1033Glu). This variant is not present in population databases (gnomAD no frequency). This variant has not been reported in the literature in individuals affected with DIAPH1-related conditions. Algorithms developed to predict the effect of missense changes on protein structure and function output the following: SIFT: "Not Available"; PolyPhen-2: "Benign"; Align-GVGD: "Not Available". The glutamic acid amino acid residue is found in multiple mammalian species, which suggests that this missense change does not adversely affect protein function. In summary, the available evidence is currently insufficient to determine the role of this variant in disease. Therefore, it has been classified as a Variant of Uncertain Significance.

NM_005219.5(DIAPH1):c.3099T>A (p.Asp1033Glu)

Gene: DIAPH1 (diaphanous related formin 1; minus strand). Cytogenetic location: 5q31.3.
Variant type: single nucleotide variant.
Coding change: c.3099T>A on transcript NM_005219.5 (MANE Select); coding-DNA position 3099, T replaced by A.
Protein change: p.Asp1033Glu; replaces aspartic acid 1033 with glutamic acid.
Molecular consequence: missense variant.
Genome position (GRCh38, 1-based): chr5:141,528,502, A>T on the plus strand (T>A on the coding strand, the complement: DIAPH1 is on the minus strand). VCF-style: chr5-141528502-A-T. GRCh37 (hg19) VCF-style: chr5-140908069-A-T.
Other names: c.3072T>A, p.Asp1024Glu (NM_001079812.3); c.3099T>A, p.Asp1033Glu (NM_001314007.2); short protein forms D1024E, D1033E.
Identifiers: ClinVar variation 2954501 (VCV002954501.3), dbSNP rs727504838, ClinGen allele CA361583168.